The following is an entry in ClinVar:

ClinVar aggregate classification (germline): Uncertain significance. Review status: criteria provided, multiple submitters, no conflicts (2 of 4 stars). 2 submissions from 2 submitters: Uncertain significance (2). Last evaluated 2024-09-11.

Conditions:
Hereditary sensory neuropathy-deafness-dementia syndrome. Also called: Hereditary sensory neuropathy type IE; HSN IE; NEUROPATHY, HEREDITARY SENSORY, WITH HEARING LOSS AND DEMENTIA; Hereditary Sensory and Autonomic Neuropathy Type 1E (HSAN1E). Identifiers: Orphanet 456318, MedGen C3279885, MONDO:0013584, OMIM 614116.

Allele frequency attached by ClinVar (database versions not stated): gnomAD 0.00001.

Submissions (2):

GeneDx
Classification: Uncertain significance. Last evaluated: 2024-09-11. Review status: criteria provided, single submitter. Criteria: GeneDx Variant Classification Process June 2021. Collection method: clinical testing. Allele origin: germline. Affected: yes.
Comment: Not observed at significant frequency in large population cohorts (gnomAD); In silico analysis indicates that this missense variant does not alter protein structure/function; Has not been previously published as pathogenic or benign to our knowledge

Labcorp Genetics (formerly Invitae), Labcorp
Classification: Uncertain significance for Hereditary sensory neuropathy-deafness-dementia syndrome. Last evaluated: 2020-09-02. Review status: criteria provided, single submitter. Criteria: Invitae Variant Classification Sherloc (09022015). Collection method: clinical testing. Allele origin: germline.
Comment: This variant has not been reported in the literature in individuals with DNMT1-related conditions. This sequence change replaces isoleucine with valine at codon 163 of the DNMT1 protein (p.Ile163Val). The isoleucine residue is weakly conserved and there is a small physicochemical difference between isoleucine and valine. The frequency data for this variant in the population databases is considered unreliable, as metrics indicate insufficient coverage at this position in the ExAC database. Algorithms developed to predict the effect of missense changes on protein structure and function are either unavailable or do not agree on the potential impact of this missense change (SIFT: "Deleterious"; PolyPhen-2: "Benign"; Align-GVGD: "Class C0"). In summary, the available evidence is currently insufficient to determine the role of this variant in disease. Therefore, it has been classified as a Variant of Uncertain Significance.

NM_001130823.3(DNMT1):c.487A>G (p.Ile163Val)

Gene: DNMT1 (DNA methyltransferase 1; minus strand). Cytogenetic location: 19p13.2.
Variant type: single nucleotide variant.
Coding change: c.487A>G on transcript NM_001130823.3 (MANE Select); coding-DNA position 487, A replaced by G.
Protein change: p.Ile163Val; replaces isoleucine 163 with valine.
Molecular consequence: missense variant. On other transcripts: intron variant (2).
Genome position (GRCh38, 1-based): chr19:10,180,193, T>C on the plus strand (A>G on the coding strand, the complement: DNMT1 is on the minus strand). VCF-style: chr19-10180193-T-C. GRCh37 (hg19) VCF-style: chr19-10290869-T-C.
Other names: c.124A>G, p.Ile42Val (NM_001318731.2); c.445+157A>G (NM_001379.4, NM_001318730.2); c.487A>G (NM_001130823.1); short protein forms I163V, I42V.
Identifiers: ClinVar variation 1019077 (VCV001019077.9), dbSNP rs2039017996, ClinGen allele CA403945867.